The following is an entry in ClinVar:

NM_005751.5(AKAP9):c.6382C>A (p.Leu2128Ile)

Gene: AKAP9 (A-kinase anchoring protein 9; plus strand). Cytogenetic location: 7q21.2.
Variant type: single nucleotide variant.
Coding change: c.6382C>A on transcript NM_005751.5 (MANE Select); coding-DNA position 6382, C replaced by A.
Protein change: p.Leu2128Ile; replaces leucine 2128 with isoleucine.
Molecular consequence: missense variant.
Genome position (GRCh38, 1-based): chr7:92,070,081, C>A. VCF-style: chr7-92070081-C-A. GRCh37 (hg19) VCF-style: chr7-91699395-C-A.
Other names: c.1027C>A, p.Leu343Ile (NM_001379277.1); c.6382C>A, p.Leu2128Ile (NM_147185.3); short protein forms L2128I, L343I.
Identifiers: ClinVar variation 240256 (VCV000240256.8), dbSNP rs878854808, ClinGen allele CA10582545.
Genomic context (GRCh38, chr7:92,070,081, plus strand): 5'-ATATTTCAGGTTGAACAGTTAGCAAATCATCTGAAAGAAAAAACAGACAAATGCAGTGAG[C>A]TTTTGCTCTCTAAAGAGCAGCTTCAAAGGGATATACAAGAAAGGAATGAAGAAATAGAGA-3'
Protein context (NP_005742.4, residues 2118-2138): LKEKTDKCSE[Leu2128Ile]LLSKEQLQRD

ClinVar aggregate classification (germline): Uncertain significance (1 of 4 stars; one submission).

Conditions:
Long QT syndrome (LQTS). Identifiers: MedGen C0023976, MeSH D008133, MONDO:0002442. Disease mechanism: loss of function. Inheritance: Various modes of inheritance.

Allele frequency attached by ClinVar (database versions not stated): TOPMed 0.00001.
gnomAD v4.1: 1 of 1,613,782 alleles (0.000062%); highest among the groups gnomAD compares: Non-Finnish European, 0.000085%; no homozygotes.

Submission:

Labcorp Genetics (formerly Invitae), Labcorp
Classification: Uncertain significance for Long QT syndrome. Last evaluated: 2015-11-19. Review status: criteria provided, single submitter. Criteria: Invitae Variant Classification Sherloc (09022015). Collection method: clinical testing. Allele origin: germline.
Comment: In summary, this is a novel missense change with uncertain impact on protein function. It has been classified as a Variant of Uncertain Significance. Algorithms developed to predict the effect of missense changes on protein structure and function do not agree on the potential impact of this missense change (SIFT: "Deleterious"; PolyPhen-2: "Probably Damaging"; Align-GVGD: "Class C0"). This variant is not present in population databases (ExAC no frequency) and has not been reported in the literature. This sequence change replaces leucine with isoleucine at codon 2128 of the AKAP9 protein (p.Leu2128Ile). The leucine residue is highly conserved and there is a small physicochemical difference between leucine and isoleucine.